The following is an entry in ClinVar:

ClinVar aggregate classification (germline): Pathogenic/Likely pathogenic. Review status: criteria provided, multiple submitters, no conflicts (2 of 4 stars). 2 submissions from 2 submitters: Pathogenic (1); Likely pathogenic (1). Last evaluated 2025-07-01.

Conditions:
SDHA-related disorder. Also called: SDHA-related condition; SDHA-related disorders.
Mitochondrial complex II deficiency, nuclear type 1. Also called: SUCCINATE CoQ REDUCTASE DEFICIENCY. Identifiers: Orphanet 3208, MedGen C5700310, MONDO:0100294, OMIM 252011.
Pheochromocytoma/paraganglioma syndrome 5. Also called: Paragangliomas 5; SDHA-Related Hereditary Paraganglioma-Pheochromocytoma Syndrome. Identifiers: Orphanet 29072, MedGen C3279992, MONDO:0013602, OMIM 614165.

Submissions (2):

Labcorp Genetics (formerly Invitae), Labcorp
Classification: Pathogenic for Pheochromocytoma/paraganglioma syndrome 5; Mitochondrial complex II deficiency, nuclear type 1. Last evaluated: 2025-07-01. Review status: criteria provided, single submitter. Criteria: Invitae Variant Classification Sherloc (09022015). Collection method: clinical testing. Allele origin: germline.
Comment: This sequence change creates a premature translational stop signal (p.Lys550*) in the SDHA gene. It is expected to result in an absent or disrupted protein product. Loss-of-function variants in SDHA are known to be pathogenic (PMID: 22974104, 24781757). This variant is not present in population databases (gnomAD no frequency). This variant has not been reported in the literature in individuals affected with SDHA-related conditions. RNA analysis performed to evaluate the impact of this premature translational stop signal on mRNA splicing indicates it does not significantly alter splicing (internal data). For these reasons, this variant has been classified as Pathogenic.

Blueprint Genetics
Classification: Likely pathogenic for SDHA-related disorders. Last evaluated: 2020-03-11. Review status: criteria provided, single submitter. Criteria: ACMG Guidelines, 2015. Collection method: clinical testing. Allele origin: germline. Affected: yes. Observed: 1 variant allele.

Literature cited by the submitters: PubMed 22974104 (cited by Labcorp Genetics (formerly Invitae), Labcorp); PubMed 24781757 (cited by Labcorp Genetics (formerly Invitae), Labcorp).

NM_004168.4(SDHA):c.1648A>T (p.Lys550Ter)

Gene: SDHA (succinate dehydrogenase complex flavoprotein subunit A; plus strand). Cytogenetic location: 5p15.33.
Variant type: single nucleotide variant.
Coding change: c.1648A>T on transcript NM_004168.4 (MANE Select); coding-DNA position 1648, A replaced by T.
Protein change: p.Lys550Ter; replaces lysine 550 with a stop codon.
Molecular consequence: nonsense. On other transcripts: intron variant (1).
Genome position (GRCh38, 1-based): chr5:251,088, A>T. VCF-style: chr5-251088-A-T. GRCh37 (hg19) VCF-style: chr5-251203-A-T.
Other names: c.1504A>T, p.Lys502Ter (NM_001294332.2); c.1552-3305A>T (NM_001330758.2); short protein forms K502*, K550*.
Identifiers: ClinVar variation 4787847 (VCV004787847.2).